The following is an entry in ClinVar:

NM_000089.4(COL1A2):c.*415T>G

Gene: COL1A2 (collagen type I alpha 2 chain; plus strand). Cytogenetic location: 7q21.3.
Variant type: single nucleotide variant.
Coding change: c.*415T>G on transcript NM_000089.4 (MANE Select); 415 bases downstream of the stop codon, T replaced by G.
Molecular consequence: 3 prime UTR variant.
Genome position (GRCh38, 1-based): chr7:94,430,808, T>G. VCF-style: chr7-94430808-T-G. GRCh37 (hg19) VCF-style: chr7-94060120-T-G.
Identifiers: ClinVar variation 360980 (VCV000360980.5), dbSNP rs148913603, ClinGen allele CA10624416.

ClinVar aggregate classification (germline): Benign. Review status: criteria provided, single submitter (1 of 4 stars). 2 submissions from 1 submitter: Benign (2). Last evaluated 2018-01-13.

Conditions:
Osteogenesis imperfecta (OI). Identifiers: Orphanet 666, MedGen C0029434, MeSH D010013, MONDO:0019019.
Ehlers-Danlos syndrome, arthrochalasia type, 2. Also called: EHLERS-DANLOS SYNDROME, TYPE VIIB, AUTOSOMAL DOMINANT. Identifiers: MedGen CN293783, MONDO:0040501, OMIM 617821.

Allele frequency attached by ClinVar (database versions not stated): gnomAD exomes 0.00014; 1000 Genomes Project 30x 0.00219; 1000 Genomes Project 0.00260; gnomAD 0.00342 and 0.00367; TOPMed 0.00382.

Submissions (2):

Illumina Laboratory Services, Illumina
Classification: Benign for Osteogenesis imperfecta. Last evaluated: 2018-01-13. Review status: criteria provided, single submitter. Criteria: ICSL Variant Classification Criteria 13 December 2019. Collection method: clinical testing. Allele origin: germline.
Comment: This variant was observed in the ICSL laboratory as part of a predisposition screen in an ostensibly healthy population. It had not been previously curated by ICSL or reported in the Human Gene Mutation Database (HGMD: prior to June 1st, 2018), and was therefore a candidate for classification through an automated scoring system. Utilizing variant allele frequency, disease prevalence and penetrance estimates, and inheritance mode, an automated score was calculated to assess if this variant is too frequent to cause the disease. Based on the score and internal cut-off values, a variant classified as benign is not then subjected to further curation. The score for this variant resulted in a classification of benign for this disease.

Illumina Laboratory Services, Illumina
Classification: Benign for Ehlers-Danlos syndrome, arthrochalasia type, 2. Last evaluated: 2018-01-13. Review status: criteria provided, single submitter. Criteria: ICSL Variant Classification Criteria 13 December 2019. Collection method: clinical testing. Allele origin: germline.
Comment: the same text as in the submission from Illumina Laboratory Services, Illumina above.